The following is an entry in ClinVar:

NM_001349206.2(LPIN1):c.2249+251C>A

Gene: LPIN1 (lipin 1; plus strand). Cytogenetic location: 2p25.1.
Variant type: single nucleotide variant.
Coding change: c.2249+251C>A on transcript NM_001349206.2 (MANE Select); 251 bases into the intron after coding-DNA position 2249, C replaced by A.
Molecular consequence: intron variant.
Genome position (GRCh38, 1-based): chr2:11,805,407, C>A. VCF-style: chr2-11805407-C-A. GRCh37 (hg19) VCF-style: chr2-11945533-C-A.
Other names: c.2396+251C>A (NM_001261428.3); c.2288+251C>A (NM_001349208.2); c.2339+251C>A (NM_001349207.2); c.2159+251C>A (NM_001261427.3); c.2249+251C>A (NM_001349204.2, NM_001349205.2); c.2246+251C>A (NM_001349202.2, NM_001349203.2); c.2219+251C>A (NM_001349200.2, NM_001349201.2); c.2141+251C>A (NM_001349199.2, NM_145693.4).
Identifiers: ClinVar variation 684303 (VCV000684303.2), dbSNP rs62114965, ClinGen allele CA11221779.

ClinVar aggregate classification (germline): Benign. Review status: criteria provided, multiple submitters, no conflicts (2 of 4 stars). 2 submissions from 2 submitters: Benign (2). Last evaluated 2018-06-19.

Allele frequency attached by ClinVar (database versions not stated): 1000 Genomes Project 30x 0.16786; 1000 Genomes Project 0.16853; gnomAD exomes 0.17188; gnomAD 0.18621 and 0.18851; TOPMed 0.19429.
gnomAD v4.1: 102,888 of 584,212 alleles (18%); highest among the groups gnomAD compares: Middle Eastern, 23%; 9,445 homozygotes.

Submissions (2):

GeneDx
Classification: Benign. Last evaluated: 2018-06-19. Review status: criteria provided, single submitter. Criteria: GeneDx Variant Classification (06012015). Collection method: clinical testing. Allele origin: germline. Affected: yes.
Comment: This variant is considered likely benign or benign based on one or more of the following criteria: it is a conservative change, it occurs at a poorly conserved position in the protein, it is predicted to be benign by multiple in silico algorithms, and/or has population frequency not consistent with disease.

Breakthrough Genomics
Classification: Benign. Review status: criteria provided, single submitter. Criteria: ACMG Guidelines, 2015. Collection method: not provided. Allele origin: germline. Inheritance: Autosomal recessive inheritance. Affected: yes.